The following is an entry in ClinVar:

NM_015386.3(COG4):c.739del

Gene: COG4 (component of oligomeric golgi complex 4; minus strand). Cytogenetic location: 16q22.1.
Variant type: Deletion.
Coding change: c.739del on transcript NM_015386.3 (MANE Select); coding-DNA position 739, one base deleted (G; older notation c.739delG).
Molecular consequence: splice acceptor variant.
Genome position (GRCh38, 1-based): chr16:70,510,021, C deleted on the plus strand (G on the coding strand, the reverse complement: COG4 is on the minus strand); the first of 2 consecutive C bases (chr16:70,510,021-70,510,022); deleting either gives the same sequence. VCF-style (leftmost placement, unchanged base first): chr16-70510020-AC-A. GRCh37 (hg19) VCF-style: chr16-70543923-AC-A.
Identifiers: ClinVar variation 4886498 (VCV004886498.2).

ClinVar aggregate classification (germline): Likely pathogenic (1 of 4 stars; one submission).

Submission:

Dasa
Classification: Likely pathogenic. Last evaluated: 2026-04-05. Review status: criteria provided, single submitter. Criteria: DASA Assertion Criteria. Collection method: clinical testing. Allele origin: germline.
Comment: NM_015386.3(COG4):c.739del (p.Val247Trpfs*17) is a frameshift variant in COG4 predicted to alter the reading frame and introduce a premature termination codon and is predicted to result in an absent or altered protein product. Loss of function is an established disease mechanism for COG4-associated disorders. Also, this variant is rare in population databases. Based on the currently available evidence, this variant is classified as likely pathogenic.